The following is an entry in ClinVar:

ClinVar aggregate classification (germline): Uncertain significance (1 of 4 stars; one submission).

Conditions:
Severe combined immunodeficiency due to DNA-PKcs deficiency. Also called: IMMUNODEFICIENCY 26 WITH NEUROLOGIC ABNORMALITIES; Immunodeficiency 26 with or without neurologic abnormalities. Identifiers: Orphanet 317425, MedGen C4014833, MONDO:0014423, OMIM 615966.

Allele frequency attached by ClinVar (database versions not stated): gnomAD exomes 0.00001 and 0.00002; ExAC 0.00002; TOPMed 0.00002.
gnomAD v4.1: 19 of 1,614,042 alleles (0.0012%); highest among the groups gnomAD compares: South Asian, 0.02%; no homozygotes.

Submission:

Labcorp Genetics (formerly Invitae), Labcorp
Classification: Uncertain significance for Severe combined immunodeficiency due to DNA-PKcs deficiency. Last evaluated: 2022-04-07. Review status: criteria provided, single submitter. Criteria: Invitae Variant Classification Sherloc (09022015). Collection method: clinical testing. Allele origin: germline.
Comment: In summary, the available evidence is currently insufficient to determine the role of this variant in disease. Therefore, it has been classified as a Variant of Uncertain Significance. Experimental studies and prediction algorithms are not available or were not evaluated, and the functional significance of this variant is currently unknown. This variant has not been reported in the literature in individuals affected with PRKDC-related conditions. This variant is present in population databases (rs761890833, gnomAD 0.02%). This sequence change replaces methionine, which is neutral and non-polar, with valine, which is neutral and non-polar, at codon 2356 of the PRKDC protein (p.Met2356Val).

NM_006904.7(PRKDC):c.7066A>G (p.Met2356Val)

Gene: PRKDC (protein kinase, DNA-activated, catalytic subunit; minus strand). Cytogenetic location: 8q11.21.
Variant type: single nucleotide variant.
Coding change: c.7066A>G on transcript NM_006904.7 (MANE Select); coding-DNA position 7066, A replaced by G.
Protein change: p.Met2356Val; replaces methionine 2356 with valine.
Molecular consequence: missense variant.
Genome position (GRCh38, 1-based): chr8:47,849,443, T>C on the plus strand (A>G on the coding strand, the complement: PRKDC is on the minus strand). VCF-style: chr8-47849443-T-C. GRCh37 (hg19) VCF-style: chr8-48762004-T-C.
Other names: c.7066A>G, p.Met2356Val (NM_001081640.2); short protein forms M2356V.
Identifiers: ClinVar variation 1401145 (VCV001401145.5), dbSNP rs761890833, ClinGen allele CA4740185.